The following is an entry in ClinVar:

NM_001161352.2(KCNMA1):c.3290G>A (p.Arg1097His)

Genes: KCNMA1 (potassium calcium-activated channel subfamily M alpha 1; minus strand), KCNMA1-AS1 (KCNMA1 antisense RNA 1; plus strand). Cytogenetic location: 10q22.3.
Variant type: single nucleotide variant.
Coding change: c.3290G>A on transcript NM_001161352.2 (MANE Select); coding-DNA position 3290, G replaced by A.
Protein change: p.Arg1097His; replaces arginine 1097 with histidine.
Molecular consequence: missense variant.
Genome position (GRCh38, 1-based): chr10:76,891,577, C>T on the plus strand (G>A on the coding strand, the complement: KCNMA1 is on the minus strand). VCF-style: chr10-76891577-C-T. GRCh37 (hg19) VCF-style: chr10-78651335-C-T.
Other names: c.3128G>A, p.Arg1043His (NM_001014797.3); c.3239G>A, p.Arg1080His (NM_001161353.2); c.2966G>A, p.Arg989His (NM_001271518.2); c.3206G>A, p.Arg1069His (NM_001271519.2); c.3125G>A, p.Arg1042His (NM_001322829.2, NM_001322836.2); c.3218G>A, p.Arg1073His (NM_001322830.2); c.3116G>A, p.Arg1039His (NM_001322832.2, NM_001410940.1, NM_002247.4); c.3209G>A, p.Arg1070His (NM_001322835.2, NM_001322837.2); and 2 more; short protein forms R1043H, R1042H, R1073H, R989H, R1069H, R888H, R1039H, R1070H.
Identifiers: ClinVar variation 2092623 (VCV002092623.5), dbSNP rs2548188698, ClinGen allele CA377403389.

ClinVar aggregate classification (germline): Uncertain significance. Review status: criteria provided, multiple submitters, no conflicts (2 of 4 stars). 2 submissions from 2 submitters: Uncertain significance (2). Last evaluated 2024-01-04.

Conditions:
Generalized epilepsy-paroxysmal dyskinesia syndrome (PNKD3). Also called: Paroxysmal nonkinesigenic dyskinesia, 3, with or without generalized epilepsy; Generalized epilepsy and paroxysmal dyskinesia. Identifiers: Orphanet 79137, MedGen C5574945, MONDO:0012276, OMIM 609446.

Allele frequency attached by ClinVar (database versions not stated): gnomAD exomes below 0.00001.
gnomAD v4.1: 1 of 1,613,890 alleles (0.000062%); highest among the groups gnomAD compares: Non-Finnish European, 0.000085%; no homozygotes.

Submissions (2):

GeneDx
Classification: Uncertain significance. Last evaluated: 2024-01-04. Review status: criteria provided, single submitter. Criteria: GeneDx Variant Classification Process June 2021. Collection method: clinical testing. Allele origin: germline. Affected: yes.
Comment: Not observed at significant frequency in large population cohorts (gnomAD); In silico analysis supports that this missense variant has a deleterious effect on protein structure/function; Has not been previously published as pathogenic or benign to our knowledge

Labcorp Genetics (formerly Invitae), Labcorp
Classification: Uncertain significance for Generalized epilepsy-paroxysmal dyskinesia syndrome. Last evaluated: 2022-02-03. Review status: criteria provided, single submitter. Criteria: Invitae Variant Classification Sherloc (09022015). Collection method: clinical testing. Allele origin: germline.
Comment: In summary, the available evidence is currently insufficient to determine the role of this variant in disease. Therefore, it has been classified as a Variant of Uncertain Significance. Algorithms developed to predict the effect of missense changes on protein structure and function (SIFT, PolyPhen-2, Align-GVGD) all suggest that this variant is likely to be disruptive. This variant has not been reported in the literature in individuals affected with KCNMA1-related conditions. This variant is not present in population databases (gnomAD no frequency). This sequence change replaces arginine, which is basic and polar, with histidine, which is basic and polar, at codon 1039 of the KCNMA1 protein (p.Arg1039His).